The following is an entry in ClinVar:

ClinVar aggregate classification (germline): Uncertain significance. Review status: criteria provided, multiple submitters, no conflicts (2 of 4 stars). 2 submissions from 2 submitters: Uncertain significance (2). Last evaluated 2024-09-23.

Conditions:
Singleton-Merten syndrome 1 (SGMRT1). Also called: Widened medullary cavities of bone, aortic calcification, abnormal dentition, and muscular weakness; Syndrome of widened medullary cavities of the metacarpals and phalanges, aortic calcification and abnormal dentition. Identifiers: Orphanet 85191, MedGen C4225427, MONDO:0024535, OMIM 182250.
Aicardi-Goutieres syndrome 7 (AGS7). Identifiers: Orphanet 51, MedGen C3888244, MONDO:0014367, OMIM 615846.

gnomAD v4.1: 3 of 1,614,160 alleles (0.00019%); highest among the groups gnomAD compares: Non-Finnish European, 0.00025%; no homozygotes.

Submissions (2):

Labcorp Genetics (formerly Invitae), Labcorp
Classification: Uncertain significance for Aicardi-Goutieres syndrome 7; Singleton-Merten syndrome 1. Last evaluated: 2024-09-23. Review status: criteria provided, single submitter. Criteria: Invitae Variant Classification Sherloc (09022015). Collection method: clinical testing. Allele origin: germline.
Comment: This sequence change replaces valine, which is neutral and non-polar, with alanine, which is neutral and non-polar, at codon 31 of the IFIH1 protein (p.Val31Ala). This variant is not present in population databases (gnomAD no frequency). This variant has not been reported in the literature in individuals affected with IFIH1-related conditions. Invitae Evidence Modeling of protein sequence and biophysical properties (such as structural, functional, and spatial information, amino acid conservation, physicochemical variation, residue mobility, and thermodynamic stability) has been performed for this missense variant. However, the output from this modeling did not meet the statistical confidence thresholds required to predict the impact of this variant on IFIH1 protein function. In summary, the available evidence is currently insufficient to determine the role of this variant in disease. Therefore, it has been classified as a Variant of Uncertain Significance.

GeneDx
Classification: Uncertain significance. Last evaluated: 2023-10-06. Review status: criteria provided, single submitter. Criteria: GeneDx Variant Classification Process June 2021. Collection method: clinical testing. Allele origin: germline. Affected: yes.
Comment: Not observed at significant frequency in large population cohorts (gnomAD); In silico analysis supports that this missense variant has a deleterious effect on protein structure/function; Has not been previously published as pathogenic or benign to our knowledge

NM_022168.4(IFIH1):c.92T>C (p.Val31Ala)

Gene: IFIH1 (interferon induced with helicase C domain 1; minus strand). Cytogenetic location: 2q24.2.
Variant type: single nucleotide variant.
Coding change: c.92T>C on transcript NM_022168.4 (MANE Select); coding-DNA position 92, T replaced by C.
Protein change: p.Val31Ala; replaces valine 31 with alanine.
Molecular consequence: missense variant.
Genome position (GRCh38, 1-based): chr2:162,318,216, A>G on the plus strand (T>C on the coding strand, the complement: IFIH1 is on the minus strand). VCF-style: chr2-162318216-A-G. GRCh37 (hg19) VCF-style: chr2-163174726-A-G.
Other names: short protein forms V31A.
Identifiers: ClinVar variation 3340872 (VCV003340872.3).
Genomic context (GRCh38, chr2:162,318,216, plus strand): 5'-GCGACTGTCCTCTGAATCTGCTCCTTCACCTCTGCAGGCAGAAAGGTCAGGTAGTCCAGC[A>G]CAGGCTCCACCTGGATGTACATTTTCACCCTGGCCCTGAAGCACGAGATGAGATAGCGGA-3'
Protein context (NP_071451.2, residues 21-41): RVKMYIQVEP[Val31Ala]LDYLTFLPAE